The following is an entry in ClinVar:

ClinVar aggregate classification (germline): Uncertain significance (1 of 4 stars; one submission).

Submission:

ARUP Laboratories, Molecular Genetics and Genomics, ARUP Laboratories
Classification: Uncertain significance. Last evaluated: 2024-09-03. Review status: criteria provided, single submitter. Criteria: ARUP Molecular Germline Variant Investigation Process 2024. Collection method: clinical testing. Allele origin: germline.
Comment: The MVK c.973C>G; p.Arg325Gly variant, to our knowledge, is not reported in the medical literature or gene specific databases. This variant is also absent from the Genome Aggregation Database (v2.1.1), indicating it is not a common polymorphism. Computational analyses are uncertain whether this variant is neutral or deleterious (REVEL: 0.448). Due to limited information, the clinical significance of this variant is uncertain at this time.

NM_000431.4(MVK):c.973C>G (p.Arg325Gly)

Gene: MVK (mevalonate kinase; plus strand). Cytogenetic location: 12q24.11.
Variant type: single nucleotide variant.
Coding change: c.973C>G on transcript NM_000431.4 (MANE Select); coding-DNA position 973, C replaced by G.
Protein change: p.Arg325Gly; replaces arginine 325 with glycine.
Molecular consequence: missense variant. On other transcripts: non-coding transcript variant (4).
Genome position (GRCh38, 1-based): chr12:109,595,115, C>G. VCF-style: chr12-109595115-C-G. GRCh37 (hg19) VCF-style: chr12-110032920-C-G.
Other names: c.973C>G, p.Arg325Gly (NM_001114185.3, NM_001414511.1, NM_001414513.1); c.817C>G, p.Arg273Gly (NM_001301182.2, NM_001414514.1); c.1048C>G, p.Arg350Gly (NM_001414512.1); c.391C>G, p.Arg131Gly (NM_001414515.1); short protein forms R131G, R273G, R325G, R350G.
Identifiers: ClinVar variation 3766812 (VCV003766812.1).